The following is an entry in ClinVar:

NM_004260.4(RECQL4):c.355-1G>A

Gene: RECQL4 (RecQ like helicase 4; minus strand). Cytogenetic location: 8q24.3.
Variant type: single nucleotide variant.
Coding change: c.355-1G>A on transcript NM_004260.4 (MANE Select); the canonical splice acceptor site of the intron before coding-DNA position 355, G replaced by A.
Molecular consequence: splice acceptor variant. On other transcripts: intron variant (5).
Genome position (GRCh38, 1-based): chr8:144,516,765, C>T on the plus strand (G>A on the coding strand, the complement: RECQL4 is on the minus strand). VCF-style: chr8-144516765-C-T. GRCh37 (hg19) VCF-style: chr8-145742149-C-T.
Other names: c.226-1G>A (NM_001413025.1); c.354+285G>A (NM_001413029.1); c.-676-104G>A (NM_001413032.1); c.-614-104G>A (NM_001413035.1, NM_001413024.1); c.355-1G>A (NM_001413017.1, NM_001413020.1, NM_001413039.1 and 4 more transcripts); c.-779-1G>A (NM_001413027.1, NM_001413031.1, NM_001413030.1 and 1 more transcripts); c.-717-1G>A (NM_001413040.1, NM_001413042.1, NM_001413037.1 and 3 more transcripts); c.-367+285G>A (NM_001413021.1); and 3 more.
Identifiers: ClinVar variation 2915167 (VCV002915167.3), dbSNP rs1815108719, ClinGen allele CA372691801.

ClinVar aggregate classification (germline): Likely pathogenic (1 of 4 stars; one submission).

Conditions:
Baller-Gerold syndrome (BGS). Also called: CRANIOSYNOSTOSIS WITH RADIAL DEFECTS. Identifiers: Orphanet 1225, MedGen C0265308, MONDO:0009039, OMIM 218600.

Submission:

Labcorp Genetics (formerly Invitae), Labcorp
Classification: Likely pathogenic for Baller-Gerold syndrome. Last evaluated: 2022-10-31. Review status: criteria provided, single submitter. Criteria: Invitae Variant Classification Sherloc (09022015). Collection method: clinical testing. Allele origin: germline.
Comment: In summary, the currently available evidence indicates that the variant is pathogenic, but additional data are needed to prove that conclusively. Therefore, this variant has been classified as Likely Pathogenic. Algorithms developed to predict the effect of sequence changes on RNA splicing suggest that this variant may disrupt the consensus splice site. This variant has not been reported in the literature in individuals affected with RECQL4-related conditions. This variant is not present in population databases (gnomAD no frequency). This sequence change affects an acceptor splice site in intron 4 of the RECQL4 gene. It is expected to disrupt RNA splicing. Variants that disrupt the donor or acceptor splice site typically lead to a loss of protein function (PMID: 16199547), and loss-of-function variants in RECQL4 are known to be pathogenic (PMID: 12734318, 12952869).

Literature cited by the submitters: PubMed 16199547; PubMed 12734318; PubMed 12952869.